The following is an entry in ClinVar:

NM_006206.6(PDGFRA):c.1787-4del

Gene: PDGFRA (platelet derived growth factor receptor alpha; plus strand). Cytogenetic location: 4q12.
Variant type: Deletion.
Coding change: c.1787-4del on transcript NM_006206.6 (MANE Select); 4 bases into the intron before coding-DNA position 1787, one base deleted (A; older notation c.1787-4delA).
Molecular consequence: intron variant.
Genome position (GRCh38, 1-based): chr4:54,277,384, A deleted. VCF-style (leftmost placement, unchanged base first): chr4-54277383-CA-C. GRCh37 (hg19) VCF-style: chr4-55143550-CA-C.
Other names: c.1862-4del (NM_001347828.2); c.1787-4del (NM_001347827.2, NM_001347829.2); c.1826-4del (NM_001347830.2).
Identifiers: ClinVar variation 4736118 (VCV004736118.1).

ClinVar aggregate classification (germline): Uncertain significance (1 of 4 stars; one submission).

Conditions:
Gastrointestinal stromal tumor. Also called: Gastrointestinal stromal tumor, somatic; Gastrointestinal stroma tumor. Identifiers: Orphanet 44890, MedGen C0238198, MeSH D046152, MONDO:0011719, OMIM 606764, HP:0100723.

Submission:

Labcorp Genetics (formerly Invitae), Labcorp
Classification: Uncertain significance for Gastrointestinal stromal tumor. Last evaluated: 2026-01-25. Review status: criteria provided, single submitter. Criteria: Invitae Variant Classification Sherloc (09022015). Collection method: clinical testing. Allele origin: germline.
Comment: This sequence change falls in intron 12 of the PDGFRA gene. It does not directly change the encoded amino acid sequence of the PDGFRA protein. This variant is not present in population databases (gnomAD no frequency). This variant has not been reported in the literature in individuals affected with PDGFRA-related conditions. Algorithms developed to predict the effect of sequence changes on RNA splicing suggest that this variant may disrupt the consensus splice site. In summary, the available evidence is currently insufficient to determine the role of this variant in disease. Therefore, it has been classified as a Variant of Uncertain Significance.